The following is an entry in ClinVar:

NM_001080517.3(SETD5):c.2102del (p.Lys701fs)

Gene: SETD5 (SET domain containing 5; plus strand). Cytogenetic location: 3p25.3.
Variant type: Deletion.
Coding change: c.2102del on transcript NM_001080517.3 (MANE Select); coding-DNA position 2102, one base deleted (A; older notation c.2102delA).
Protein change: p.Lys701fs; shifts the reading frame from lysine 701.
Molecular consequence: frameshift variant.
Genome position (GRCh38, 1-based): chr3:9,448,005, A deleted; the last of 5 consecutive A bases (chr3:9,448,001-9,448,005); deleting any one gives the same sequence. VCF-style (leftmost placement, unchanged base first): chr3-9448000-CA-C. GRCh37 (hg19) VCF-style: chr3-9489684-CA-C.
Other names: c.1808del, p.Lys603fs (NM_001292043.2, NM_001349451.2); c.2102del (NM_001080517.1); short protein forms K603fs, K701fs.
Identifiers: ClinVar variation 845829 (VCV000845829.7), dbSNP rs1575472646, ClinGen allele CA916082561.

ClinVar aggregate classification (germline): Pathogenic. Review status: criteria provided, multiple submitters, no conflicts (2 of 4 stars). 2 submissions from 2 submitters: Pathogenic (2). Last evaluated 2024-10-07.

Submissions (2):

GeneDx
Classification: Pathogenic. Last evaluated: 2024-10-07. Review status: criteria provided, single submitter. Criteria: GeneDx Variant Classification Process June 2021. Collection method: clinical testing. Allele origin: germline. Affected: yes.
Comment: Frameshift variant predicted to result in protein truncation or nonsense mediated decay in a gene for which loss of function is a known mechanism of disease; Not observed at significant frequency in large population cohorts (gnomAD); Has not been previously published as pathogenic or benign to our knowledge

Labcorp Genetics (formerly Invitae), Labcorp
Classification: Pathogenic. Last evaluated: 2019-02-21. Review status: criteria provided, single submitter. Criteria: Invitae Variant Classification Sherloc (09022015). Collection method: clinical testing. Allele origin: germline.
Comment: For these reasons, this variant has been classified as Pathogenic. Loss-of-function variants in SETD5 are known to be pathogenic (PMID: 24680889). This variant is not present in population databases (ExAC no frequency). This sequence change creates a premature translational stop signal (p.Lys701Serfs*3) in the SETD5 gene. It is expected to result in an absent or disrupted protein product.

Literature cited by the submitters: PubMed 24680889 (cited by Labcorp Genetics (formerly Invitae), Labcorp).